The following is an entry in ClinVar:

NM_000860.6(HPGD):c.38C>A (p.Ala13Glu)

Gene: HPGD (15-hydroxyprostaglandin dehydrogenase; minus strand). Cytogenetic location: 4q34.1.
Variant type: single nucleotide variant.
Coding change: c.38C>A on transcript NM_000860.6 (MANE Select); coding-DNA position 38, C replaced by A.
Protein change: p.Ala13Glu; replaces alanine 13 with glutamic acid.
Molecular consequence: missense variant. On other transcripts: 5 prime UTR variant (1), intron variant (1).
Genome position (GRCh38, 1-based): chr4:174,522,414, G>T on the plus strand (C>A on the coding strand, the complement: HPGD is on the minus strand). VCF-style: chr4-174522414-G-T. GRCh37 (hg19) VCF-style: chr4-175443565-G-T.
Other names: p.Ala13Glu; c.38C>A, p.Ala13Glu (NM_001145816.3, NM_001256305.2, NM_001256306.2 and 1 more transcripts); c.-219C>A (NM_001256307.2); c.-271+210C>A (NM_001256301.1); short protein forms A13E.
Identifiers: ClinVar variation 2058441 (VCV002058441.5), dbSNP rs2477966287, ClinGen allele CA358813574.

ClinVar aggregate classification (germline): Conflicting classifications of pathogenicity. Review status: criteria provided, conflicting classifications (1 of 4 stars). 2 submissions from 2 submitters: Likely pathogenic (1); Uncertain significance (1). Last evaluated 2023-07-01.

Conditions:
Hypertrophic osteoarthropathy, primary, autosomal recessive, 1 (PHOAR1). Also called: PHO, AUTOSOMAL RECESSIVE. Identifiers: Orphanet 1525, Orphanet 2796, MedGen C4551679, MONDO:0024546, OMIM 259100.

Submissions (2):

Molecular Genetics and NGS Laboratory, Hospital Fundacion Valle Del Lili
Classification: Likely pathogenic for Hypertrophic osteoarthropathy, primary, autosomal recessive, 1. Last evaluated: 2023-07-01. Review status: criteria provided, single submitter. Criteria: ACMG Guidelines, 2015. Collection method: clinical testing. Allele origin: germline. Affected: yes. Observed: 3 variant alleles.
Comment: The variant in affected individuals is homozygous, and their parents are heterozygous. In summary, the p.Ala13Glu variant meets our criteria to be classified as likely pathogenic.

Labcorp Genetics (formerly Invitae), Labcorp
Classification: Uncertain significance. Last evaluated: 2022-03-20. Review status: criteria provided, single submitter. Criteria: Invitae Variant Classification Sherloc (09022015). Collection method: clinical testing. Allele origin: germline.
Comment: In summary, the available evidence is currently insufficient to determine the role of this variant in disease. Therefore, it has been classified as a Variant of Uncertain Significance. Algorithms developed to predict the effect of missense changes on protein structure and function are either unavailable or do not agree on the potential impact of this missense change (SIFT: "Deleterious"; PolyPhen-2: "Possibly Damaging"; Align-GVGD: "Class C0"). This variant has not been reported in the literature in individuals affected with HPGD-related conditions. This variant is not present in population databases (gnomAD no frequency). This sequence change replaces alanine, which is neutral and non-polar, with glutamic acid, which is acidic and polar, at codon 13 of the HPGD protein (p.Ala13Glu).

Literature cited by the submitters: PubMed 35708829 (cited by Molecular Genetics and NGS Laboratory, Hospital Fundacion Valle Del Lili).